The following is an entry in ClinVar:

ClinVar aggregate classification (germline): Uncertain significance (1 of 4 stars; one submission).

Conditions:
Pheochromocytoma/paraganglioma syndrome 4. Also called: SDHB-Related Hereditary Paraganglioma-Pheochromocytoma Syndrome (Paragangliomas 4); CAROTID BODY TUMORS AND MULTIPLE EXTRAADRENAL PHEOCHROMOCYTOMAS; PARAGANGLIOMA, FAMILIAL MALIGNANT; PARAGANGLIOMAS, HEREDITARY EXTRAADRENAL; PHEOCHROMOCYTOMA, FAMILIAL EXTRAADRENAL; Paragangliomas 4. Identifiers: Orphanet 29072, MedGen C1861848, MONDO:0007273, OMIM 115310.

Submission:

Helix
Classification: Uncertain significance for Pheochromocytoma/paraganglioma syndrome 4. Last evaluated: 2025-11-06. Review status: criteria provided, single submitter. Criteria: ACMG Guidelines, 2015. Collection method: clinical testing. Allele origin: germline. Inheritance: Autosomal dominant inheritance.
Comment: This variant (NM_003000.3:c.584G>A p.Ser195Asn) results in the substitution of serine with asparagine at codon 195 in the SDHB protein. It is a rare variant that is absent from the large gnomAD population database (v4.1). To our knowledge, this variant has not been reported in individuals with SDHB-related conditions in the published literature. In silico prediction from REVEL (PMID: 27666373) suggests that this variant may be deleterious. In conclusion, since the available evidence is limited, the clinical significance of this variant is unclear at this time. Therefore, it is classified as a Variant of Uncertain Significance.

NM_003000.3(SDHB):c.584G>A (p.Ser195Asn)

Gene: SDHB (succinate dehydrogenase complex iron sulfur subunit B; minus strand). Cytogenetic location: 1p36.13.
Variant type: single nucleotide variant.
Coding change: c.584G>A on transcript NM_003000.3 (MANE Select); coding-DNA position 584, G replaced by A.
Protein change: p.Ser195Asn; replaces serine 195 with asparagine.
Molecular consequence: missense variant.
Genome position (GRCh38, 1-based): chr1:17,024,031, C>T on the plus strand (G>A on the coding strand, the complement: SDHB is on the minus strand). VCF-style: chr1-17024031-C-T. GRCh37 (hg19) VCF-style: chr1-17350526-C-T.
Other names: c.530G>A, p.Ser177Asn (NM_001407361.1); short protein forms S177N, S195N.
Identifiers: ClinVar variation 4890825 (VCV004890825.1).